The following is an entry in ClinVar:

NM_001902.6(CTH):c.864G>A (p.Lys288=)

Gene: CTH (cystathionine gamma-lyase; plus strand). Cytogenetic location: 1p31.1.
Variant type: single nucleotide variant.
Coding change: c.864G>A on transcript NM_001902.6 (MANE Select); coding-DNA position 864, G replaced by A.
Protein change: p.Lys288=; no amino-acid change (lysine 288 retained).
Molecular consequence: synonymous variant.
Genome position (GRCh38, 1-based): chr1:70,432,222, G>A. VCF-style: chr1-70432222-G-A. GRCh37 (hg19) VCF-style: chr1-70897905-G-A.
Other names: c.768G>A, p.Lys256= (NM_001190463.2); c.732G>A, p.Lys244= (NM_153742.5).
Identifiers: ClinVar variation 298035 (VCV000298035.11), dbSNP rs368097625, ClinGen allele CA906306.

ClinVar aggregate classification (germline): Conflicting classifications of pathogenicity. Review status: criteria provided, conflicting classifications (1 of 4 stars). 4 submissions from 4 submitters: Uncertain significance (1); Benign (1); Likely benign (1). 1 of the submissions does not count toward it. Last evaluated 2024-11-21.

Conditions:
CTH-related disorder. Also called: CTH-related condition.
Cystathioninuria. Also called: CYSTATHIONASE DEFICIENCY. Identifiers: Orphanet 212, MedGen C0220993, MONDO:0009058, OMIM 219500, HP:0003153.

Allele frequency attached by ClinVar (database versions not stated): 1000 Genomes Project 30x 0.00016; 1000 Genomes Project 0.00020; ESP Exome Variant Server 0.00031; gnomAD 0.00040 and 0.00041; TOPMed 0.00051; gnomAD exomes 0.00071 and 0.00072; ExAC 0.00076.
gnomAD v4.1: 1,119 of 1,614,142 alleles (0.069%); highest among the groups gnomAD compares: South Asian, 0.32%; 5 homozygotes.

Submissions (4):

Blueprint Genetics
Classification: Likely benign. Last evaluated: 2024-11-21. Review status: criteria provided, single submitter. Criteria: ACMG Guidelines, 2015. Collection method: clinical testing. Allele origin: germline.

Labcorp Genetics (formerly Invitae), Labcorp
Classification: Benign. Last evaluated: 2018-06-12. Review status: criteria provided, single submitter. Criteria: Invitae Variant Classification Sherloc (09022015). Collection method: clinical testing. Allele origin: germline.

Illumina Laboratory Services, Illumina
Classification: Uncertain significance for Cystathioninuria. Last evaluated: 2018-01-13. Review status: criteria provided, single submitter. Criteria: ICSL Variant Classification Criteria 13 December 2019. Collection method: clinical testing. Allele origin: germline.

PreventionGenetics, part of Exact Sciences
Classification: Likely benign for CTH-related condition. Last evaluated: 2023-02-02. Review status: no assertion criteria provided. Collection method: clinical testing. Allele origin: germline. Not counted in ClinVar's aggregate classification.
Comment: This variant is classified as likely benign based on ACMG/AMP sequence variant interpretation guidelines (Richards et al. 2015 PMID: 25741868, with internal and published modifications).